The following is an entry in ClinVar:

ClinVar aggregate classification (germline): Pathogenic. Review status: criteria provided, single submitter (1 of 4 stars). 2 submissions from 2 submitters: Pathogenic (1). 1 of the submissions does not count toward it. Last evaluated 2022-06-08.

Conditions:
Familial long QT syndrome (RWS). Also called: Congenital long QT syndrome; Romano-Ward syndrome; VENTRICULAR FIBRILLATION WITH PROLONGED QT INTERVAL. Identifiers: Orphanet 768, MedGen C1141890, MONDO:0019171.
Long QT syndrome 1 (LQT1). Identifiers: Orphanet 101016, Orphanet 768, MedGen C4551647, MONDO:0100316, OMIM 192500, MONDO:0008646.

Submissions (2):

New York Genome Center
Classification: Pathogenic for Long QT syndrome 1. Last evaluated: 2022-06-08. Review status: criteria provided, single submitter. Criteria: NYGC Assertion Criteria 2020. Collection method: clinical testing. Allele origin: germline. Affected: yes. Observed: 1 variant allele.
Comment: The c.595T>G p.(Ser199Ala) missense variant identified in exon 3 (of 16) of KCNQ1 has been previously reported in an individual with long QT syndrome[PMID:19716085], and it has also been deposited in ClinVar without pathogenicity classification [Variation ID: 67090]. The variant is absent from population databases (gnomADv2, gnomADv3, TOPMed Freeze 8) suggesting it is not a common benign variant in populations represented in those databases. The variant affects an evolutionarily conserved residue and in silico predictions are in favor of deleterious effect of the c.595T>G p.(Ser199Ala) variant on the encoded protein (REVEL score= 0.799); however, there are no functional studies to support or refute these predictions. Based on the available evidence, the c.595T>G p.(Ser199Ala)missense variant identified in the KCNQ1 gene is reported as a Variant of Uncertain Significance.

Cardiovascular Biomedical Research Unit, Royal Brompton & Harefield NHS Foundation Trust
No classification provided. Condition: Familial long QT syndrome. Review status: no classification provided. Collection method: literature only. Allele origin: germline. Not counted in ClinVar's aggregate classification.
Comment: This variant has been reported as associated with Long QT syndrome in the following publications (PMID:19716085). This is a literature report, and does not necessarily reflect the clinical interpretation of the Imperial College / Royal Brompton Cardiovascular Genetics laboratory.

Literature cited by the submitters: PubMed 19716085 (cited by Cardiovascular Biomedical Research Unit, Royal Brompton & Harefield NHS Foundation Trust); PubMed 22581653 (cited by Cardiovascular Biomedical Research Unit, Royal Brompton & Harefield NHS Foundation Trust).

NM_000218.3(KCNQ1):c.595T>G (p.Ser199Ala)

Gene: KCNQ1 (potassium voltage-gated channel subfamily Q member 1; plus strand). Cytogenetic location: 11p15.5.
Variant type: single nucleotide variant.
Coding change: c.595T>G on transcript NM_000218.3 (MANE Select); coding-DNA position 595, T replaced by G.
Protein change: p.Ser199Ala; replaces serine 199 with alanine.
Molecular consequence: missense variant.
Genome position (GRCh38, 1-based): chr11:2,570,745, T>G. VCF-style: chr11-2570745-T-G. GRCh37 (hg19) VCF-style: chr11-2591975-T-G.
Other names: c.595T>G (LRG_287t1); c.595T>G, p.Ser199Ala (NM_001406836.1); c.325T>G, p.Ser109Ala (NM_001406837.1); c.214T>G, p.Ser72Ala (NM_181798.2); short protein forms S199A, S72A, S109A.
Identifiers: ClinVar variation 67090 (VCV000067090.4), dbSNP rs199472701, ClinGen allele CA007685.